The following is an entry in ClinVar:

ClinVar aggregate classification (germline): Likely benign. Review status: criteria provided, multiple submitters, no conflicts (2 of 4 stars). 3 submissions from 3 submitters: Likely benign (3). Last evaluated 2026-04-07.

Conditions:
SCN10A-related disorder. Also called: SCN10A-related condition.
Brugada syndrome. Also called: Sudden unexplained nocturnal death syndrome; Sudden unexpected nocturnal death syndrome; Sudden Unexplained Death Syndrome; Sudden Unexplained Nocturnal Death Syndrome (SUNDS). Identifiers: Orphanet 130, MedGen C1142166, MONDO:0015263.
Cardiovascular phenotype. Identifiers: MedGen CN230736.

Allele frequency attached by ClinVar (database versions not stated): gnomAD exomes below 0.00001; gnomAD 0.00002; TOPMed 0.00003.
gnomAD v4.1: 4 of 1,614,084 alleles (0.00025%); highest among the groups gnomAD compares: African/African-American, 0.0053%; no homozygotes.

Submissions (3):

PreventionGenetics, part of Exact Sciences
Classification: Likely benign for SCN10A-related condition. Last evaluated: 2026-04-07. Review status: criteria provided, single submitter. Criteria: ACMG Guidelines, 2015. Collection method: clinical testing. Allele origin: germline.
Comment: This variant is classified as likely benign based on ACMG/AMP sequence variant interpretation guidelines (Richards et al. 2015 PMID: 25741868, with internal and published modifications).

Ambry Genetics
Classification: Likely benign for Cardiovascular phenotype. Last evaluated: 2025-08-03. Review status: criteria provided, single submitter. Criteria: Ambry Variant Classification Scheme 2023. Collection method: clinical testing. Allele origin: germline.

Labcorp Genetics (formerly Invitae), Labcorp
Classification: Likely benign for Brugada syndrome. Last evaluated: 2019-12-18. Review status: criteria provided, single submitter. Criteria: Invitae Variant Classification Sherloc (09022015). Collection method: clinical testing. Allele origin: germline.

NM_006514.4(SCN10A):c.4753A>C (p.Arg1585=)

Gene: SCN10A (sodium voltage-gated channel alpha subunit 10; minus strand). Cytogenetic location: 3p22.2.
Variant type: single nucleotide variant.
Coding change: c.4753A>C on transcript NM_006514.4 (MANE Select); coding-DNA position 4753, A replaced by C.
Protein change: p.Arg1585=; no amino-acid change (arginine 1585 retained).
Molecular consequence: synonymous variant.
Genome position (GRCh38, 1-based): chr3:38,698,467, T>G on the plus strand (A>C on the coding strand, the complement: SCN10A is on the minus strand). VCF-style: chr3-38698467-T-G. GRCh37 (hg19) VCF-style: chr3-38739958-T-G.
Other names: c.4750A>C, p.Arg1584= (NM_001293306.2); c.4459A>C, p.Arg1487= (NM_001293307.2); c.4753A>C (NM_006514.2, NM_006514.3).
Identifiers: ClinVar variation 1124291 (VCV001124291.9), dbSNP rs971662156, ClinGen allele CA72947558.